The following is an entry in ClinVar:

ClinVar aggregate classification (germline): Benign. Review status: criteria provided, multiple submitters, no conflicts (2 of 4 stars). 2 submissions from 2 submitters: Benign (2). Last evaluated 2018-01-13.

Conditions:
Congenital brain dysgenesis due to glutamine synthetase deficiency (GLND). Also called: GLUTAMINE SYNTHASE DEFICIENCY, CONGENITAL SYSTEMIC. Identifiers: Orphanet 71278, MedGen C1864910, MONDO:0012393, OMIM 610015.

Allele frequency attached by ClinVar (database versions not stated): TOPMed 0.99983; 1000 Genomes Project 30x 1.00000; gnomAD 0.99979 and 0.99981; 1000 Genomes Project 1.00000.

Submissions (2):

Illumina Laboratory Services, Illumina
Classification: Benign for Congenital brain dysgenesis due to glutamine synthetase deficiency. Last evaluated: 2018-01-13. Review status: criteria provided, single submitter. Criteria: ICSL Variant Classification Criteria 13 December 2019. Collection method: clinical testing. Allele origin: germline.
Comment: This variant was observed in the ICSL laboratory as part of a predisposition screen in an ostensibly healthy population. It had not been previously curated by ICSL or reported in the Human Gene Mutation Database (HGMD: prior to June 1st, 2018), and was therefore a candidate for classification through an automated scoring system. Utilizing variant allele frequency, disease prevalence and penetrance estimates, and inheritance mode, an automated score was calculated to assess if this variant is too frequent to cause the disease. Based on the score and internal cut-off values, a variant classified as benign is not then subjected to further curation. The score for this variant resulted in a classification of benign for this disease.

Breakthrough Genomics
Classification: Benign. Review status: criteria provided, single submitter. Criteria: ACMG Guidelines, 2015. Collection method: not provided. Allele origin: germline. Inheritance: Autosomal recessive inheritance. Affected: yes.

NM_001033044.4(GLUL):c.*2118T>C

Gene: GLUL (glutamate-ammonia ligase; minus strand). Cytogenetic location: 1q25.3.
Variant type: single nucleotide variant.
Coding change: c.*2118T>C on transcript NM_001033044.4 (MANE Select); 2118 bases downstream of the stop codon, T replaced by C.
Molecular consequence: 3 prime UTR variant.
Genome position (GRCh38, 1-based): chr1:182,382,287, A>G on the plus strand (T>C on the coding strand, the complement: GLUL is on the minus strand). VCF-style: chr1-182382287-A-G. GRCh37 (hg19) VCF-style: chr1-182351422-A-G.
Other names: c.*2118T>C (NM_001033056.4, NM_002065.7).
Identifiers: ClinVar variation 293893 (VCV000293893.6), dbSNP rs10458354, ClinGen allele CA10608843.